The following is an entry in ClinVar:

NM_000257.4(MYH7):c.5386C>T (p.Arg1796Trp)

Gene: MYH7 (myosin heavy chain 7; minus strand). Cytogenetic location: 14q11.2.
Variant type: single nucleotide variant.
Coding change: c.5386C>T on transcript NM_000257.4 (MANE Select); coding-DNA position 5386, C replaced by T.
Protein change: p.Arg1796Trp; replaces arginine 1796 with tryptophan.
Molecular consequence: missense variant.
Genome position (GRCh38, 1-based): chr14:23,415,168, G>A on the plus strand (C>T on the coding strand, the complement: MYH7 is on the minus strand). VCF-style: chr14-23415168-G-A. GRCh37 (hg19) VCF-style: chr14-23884377-G-A.
Other names: c.5386C>T (LRG_384t1); short protein forms R1796W.
Identifiers: ClinVar variation 626809 (VCV000626809.26), dbSNP rs748598020, ClinGen allele CA046625.

ClinVar aggregate classification (germline): Uncertain significance. Review status: criteria provided, multiple submitters, no conflicts (2 of 4 stars). 9 submissions from 9 submitters: Uncertain significance (9). Last evaluated 2025-12-23.

Conditions:
Myopathy, myosin storage, autosomal recessive (CMYO7B). Also called: CONGENITAL MYOPATHY 7B, MYOSIN STORAGE, AUTOSOMAL RECESSIVE. Identifiers: Orphanet 636970, MedGen C1850709, MONDO:0009708, OMIM 255160.
Myosin storage myopathy (CMYO7A). Also called: MYOPATHY, HYALINE BODY, AUTOSOMAL DOMINANT; MYH7-related late-onset scapuloperoneal muscular dystrophy; Congenital myopathy 7A, myosin storage, autosomal dominant; SCAPULOPERONEAL MUSCULAR DYSTROPHY; SCAPULOPERONEAL SYNDROME, MYOPATHIC TYPE; MYOPATHY WITH LYSIS OF TYPE I MYOFIBRILS. Identifiers: Orphanet 437572, Orphanet 636965, MedGen C1842160, MONDO:0008409, OMIM 608358.
Dilated cardiomyopathy 1S (CMD1S). Identifiers: Orphanet 154, Orphanet 54260, MedGen C1834481, MONDO:0013262, OMIM 613426.
MYH7-related skeletal myopathy. Also called: Laing distal myopathy; Laing early-onset distal myopathy; Myopathy, distal, 1; MYOPATHY, DISTAL, EARLY-ONSET, AUTOSOMAL DOMINANT; MYOPATHY, LATE DISTAL HEREDITARY. Identifiers: Orphanet 59135, MedGen C4552004, MONDO:0008050, OMIM 160500.
Congenital myopathy with fiber type disproportion. Also called: Congenital fiber-type disproportion myopathy; Congenital fiber-type disproportion. Identifiers: Orphanet 2020, MedGen C0546264, MONDO:0009711. Inheritance: all.
Hypertrophic cardiomyopathy 1 (CMH1). Also called: MYH7-Related Familial Hypertrophic Cardiomyopathy; Familial hypertrophic cardiomyopathy 1. Identifiers: MedGen C3495498, MONDO:0008647, OMIM 192600.
Hypertrophic cardiomyopathy. Also called: HYPERTROPHIC MYOCARDIOPATHY. Identifiers: Orphanet 217569, MedGen C0007194, MeSH D002312, MONDO:0005045, HP:0001639.
Cardiovascular phenotype. Identifiers: MedGen CN230736.
Cardiomyopathy (CMYO). Also called: Cardiomyopathies. Identifiers: Orphanet 167848, MedGen C0878544, MONDO:0004994, HP:0001638. Inheritance: Various modes of inheritance.

Allele frequency attached by ClinVar (database versions not stated): gnomAD exomes below 0.00001; ExAC 0.00001; gnomAD 0.00001; TOPMed 0.00003.
gnomAD v4.1: 8 of 1,614,098 alleles (0.0005%); highest among the groups gnomAD compares: African/African-American, 0.0053%; no homozygotes.

Submissions (9):

Labcorp Genetics (formerly Invitae), Labcorp
Classification: Uncertain significance for Hypertrophic cardiomyopathy. Last evaluated: 2025-12-23. Review status: criteria provided, single submitter. Criteria: Invitae Variant Classification Sherloc (09022015). Collection method: clinical testing. Allele origin: germline.
Comment: This sequence change replaces arginine, which is basic and polar, with tryptophan, which is neutral and slightly polar, at codon 1796 of the MYH7 protein (p.Arg1796Trp). This variant is present in population databases (rs748598020, gnomAD 0.007%). This missense change has been observed in individual(s) with MYH7-related conditions (PMID: 35993536; internal data). ClinVar contains an entry for this variant (Variation ID: 626809). Invitae Evidence Modeling of protein sequence and biophysical properties (such as structural, functional, and spatial information, amino acid conservation, physicochemical variation, residue mobility, and thermodynamic stability) indicates that this missense variant is expected to disrupt MYH7 protein function with a positive predictive value of 95%. In summary, the available evidence is currently insufficient to determine the role of this variant in disease. Therefore, it has been classified as a Variant of Uncertain Significance.

CeGaT Center for Human Genetics Tuebingen
Classification: Uncertain significance. Last evaluated: 2025-10-01. Review status: criteria provided, single submitter. Criteria: CeGaT Center For Human Genetics Tuebingen Variant Classification Criteria Version 2. Collection method: clinical testing. Allele origin: germline. Affected: yes. Observed: 1 variant allele.
Comment: MYH7: PM2:Supporting, PP3, PS4:Supporting

Ambry Genetics
Classification: Uncertain significance for Cardiovascular phenotype. Last evaluated: 2025-05-29. Review status: criteria provided, single submitter. Criteria: Ambry Variant Classification Scheme 2023. Collection method: clinical testing. Allele origin: germline.
Comment: The p.R1796W variant (also known as c.5386C>T), located in coding exon 35 of the MYH7 gene, results from a C to T substitution at nucleotide position 5386. The arginine at codon 1796 is replaced by tryptophan, an amino acid with dissimilar properties. This amino acid position is highly conserved in available vertebrate species. In addition, this alteration is predicted to be deleterious by in silico analysis. Since supporting evidence is limited at this time, the clinical significance of this alteration remains unclear.

All of Us Research Program, National Institutes of Health
Classification: Uncertain significance for Cardiomyopathy. Last evaluated: 2024-03-05. Review status: criteria provided, single submitter. Criteria: ACMG Guidelines, 2015. Collection method: clinical testing. Allele origin: germline. Inheritance: Autosomal dominant inheritance. Observed: 3 variant alleles, 3 heterozygotes.
Comment: This missense variant replaces arginine with tryptophan at codon 1796 of the MYH7 protein. Computational prediction suggests that this variant may have deleterious impact on protein structure and function (internally defined REVEL score threshold >= 0.7, PMID: 27666373). To our knowledge, functional studies have not been reported for this variant. This variant has been reported in one individual who was affected with hypertrophic cardiomyopathy (PMID: 33241513) and in one infant with a ventricular septal defect (PMID: 35993536). This variant has been identified in 1/251482 chromosomes in the general population by the Genome Aggregation Database (gnomAD). The available evidence is insufficient to determine the role of this variant in disease conclusively. Therefore, this variant is classified as a Variant of Uncertain Significance.

This study involves interpretation of variants in research participants for the purpose of population health screening. Participant phenotype was not available at the time of variant classification. Additional details can be found in publication PMID: 35346344, PMCID: PMC8962531

GeneDx
Classification: Uncertain significance. Last evaluated: 2024-02-12. Review status: criteria provided, single submitter. Criteria: GeneDx Variant Classification Process June 2021. Collection method: clinical testing. Allele origin: germline. Affected: yes.
Comment: In silico analysis supports that this missense variant has a deleterious effect on protein structure/function; Not observed at significant frequency in large population cohorts (gnomAD); Reported in a patient congenital heart disease; however, detailed clinical information was not provided (PMID: 35993536); This variant is associated with the following publications: (PMID: 35993536)

Color Diagnostics, LLC DBA Color Health
Classification: Uncertain significance for Cardiomyopathy. Last evaluated: 2023-09-27. Review status: criteria provided, single submitter. Criteria: ACMG Guidelines, 2015. Collection method: clinical testing. Allele origin: germline.
Comment: This missense variant replaces arginine with tryptophan at codon 1796 of the MYH7 protein. Computational prediction suggests that this variant may have deleterious impact on protein structure and function (internally defined REVEL score threshold >= 0.7, PMID: 27666373). To our knowledge, functional studies have not been reported for this variant. This variant has been reported in one individual who was affected with hypertrophic cardiomyopathy (PMID: 33241513) and in one infant with a ventricular septal defect (PMID: 35993536). This variant has been identified in 1/251482 chromosomes in the general population by the Genome Aggregation Database (gnomAD). The available evidence is insufficient to determine the role of this variant in disease conclusively. Therefore, this variant is classified as a Variant of Uncertain Significance.

Fulgent Genetics
Classification: Uncertain significance for MYH7-related skeletal myopathy; Myosin storage myopathy; Hypertrophic cardiomyopathy 1; Myopathy, myosin storage, autosomal recessive; Congenital myopathy 4A, autosomal dominant; Dilated cardiomyopathy 1S. Last evaluated: 2021-09-12. Review status: criteria provided, single submitter. Criteria: ACMG Guidelines, 2015. Collection method: clinical testing. Allele origin: unknown.

AiLife Diagnostics
Classification: Uncertain significance. Last evaluated: 2021-08-27. Review status: criteria provided, single submitter. Criteria: ACMG Guidelines, 2015. Collection method: clinical testing. Allele origin: germline. Affected: yes. Observed: 1 variant allele.

CHEO Genetics Diagnostic Laboratory, Children's Hospital of Eastern Ontario
Classification: Uncertain significance for Cardiomyopathy. Last evaluated: 2015-09-16. Review status: criteria provided, single submitter. Criteria: ACMG Guidelines, 2015. Collection method: clinical testing. Allele origin: germline. Study: Canadian Open Genetics Repository.

Literature cited by the submitters: PubMed 35993536 (cited by 3 submitters); PubMed 27247418 (cited by Ambry Genetics); PubMed 33241513 (cited by All of Us Research Program, National Institutes of Health and Color Diagnostics, LLC DBA Color Health).